The following is an entry in ClinVar:

NM_001378454.1(ALMS1):c.10768C>G (p.Gln3590Glu)

Gene: ALMS1 (ALMS1 centrosome and basal body associated protein; plus strand). Cytogenetic location: 2p13.1.
Variant type: single nucleotide variant.
Coding change: c.10768C>G on transcript NM_001378454.1 (MANE Select); coding-DNA position 10768, C replaced by G.
Protein change: p.Gln3590Glu; replaces glutamine 3590 with glutamic acid.
Molecular consequence: missense variant.
Genome position (GRCh38, 1-based): chr2:73,572,645, C>G. VCF-style: chr2-73572645-C-G. GRCh37 (hg19) VCF-style: chr2-73799772-C-G.
Other names: c.10771C>G, p.Gln3591Glu (NM_015120.4); short protein forms Q3590E, Q3591E.
Identifiers: ClinVar variation 1391717 (VCV001391717.4), dbSNP rs1674961683, ClinGen allele CA347285367.
Genomic context (GRCh38, chr2:73,572,645, plus strand): 5'-TATCCAAAACATAATGGACAAATTAGTGATCCACAAAGGGATCAGAAGGTCACCCCAGAG[C>G]AAACAACTCAGCACACTGTGAGTTTGAATGAACTGTGGAACAAGTATCGGGAGCGACAGA-3'
Protein context (NP_001365383.1, residues 3580-3600): PQRDQKVTPE[Gln3590Glu]TTQHTVSLNE

ClinVar aggregate classification (germline): Uncertain significance (1 of 4 stars; one submission).

Conditions:
Alstrom syndrome (ALMS). Identifiers: Orphanet 64, MedGen C0268425, MONDO:0008763, OMIM 203800.

Allele frequency attached by ClinVar (database versions not stated): TOPMed below 0.00001.

Submission:

Labcorp Genetics (formerly Invitae), Labcorp
Classification: Uncertain significance for Alstrom syndrome. Last evaluated: 2021-04-06. Review status: criteria provided, single submitter. Criteria: Invitae Variant Classification Sherloc (09022015). Collection method: clinical testing. Allele origin: germline.
Comment: In summary, the available evidence is currently insufficient to determine the role of this variant in disease. Therefore, it has been classified as a Variant of Uncertain Significance. Experimental studies and prediction algorithms are not available or were not evaluated, and the functional significance of this variant is currently unknown. This variant has not been reported in the literature in individuals with ALMS1-related conditions. This variant is not present in population databases (ExAC no frequency). This sequence change replaces glutamine with glutamic acid at codon 3591 of the ALMS1 protein (p.Gln3591Glu). The glutamine residue is weakly conserved and there is a small physicochemical difference between glutamine and glutamic acid.